The following is an entry in ClinVar:

NM_000091.5(COL4A3):c.4425dup (p.Val1476fs)

Genes: COL4A3 (collagen type IV alpha 3 chain; plus strand), MFF-DT (MFF divergent transcript; minus strand). Cytogenetic location: 2q36.3.
Variant type: Duplication.
Coding change: c.4425dup on transcript NM_000091.5 (MANE Select); coding-DNA position 4425, one base duplicated (T; older notation c.4425dupT).
Protein change: p.Val1476fs; shifts the reading frame from valine 1476.
Molecular consequence: frameshift variant.
Genome position (GRCh38, 1-based): chr2:227,307,882, T duplicated; the last of 5 consecutive T bases (chr2:227,307,878-227,307,882); duplicating any one gives the same sequence. VCF-style (leftmost placement, unchanged base first): chr2-227307877-C-CT. GRCh37 (hg19) VCF-style: chr2-228172593-C-CT.
Other names: short protein forms V1476fs.
Identifiers: ClinVar variation 1454831 (VCV001454831.6), dbSNP rs2106284607, ClinGen allele CA2573135482.
Genomic context (GRCh38, chr2:227,307,877, plus strand): 5'-ACCACAGCAATTCCTTCATGTCCAGAGGGGACAGTGCCACTCTACAGTGGGTTTTCTTTT[C>CT]TTTTTGTACAAGGAAATCAACGAGCCCACGGACAAGACCTTGGTAATGTCCCAGTCCCAG-3'

ClinVar aggregate classification (germline): Pathogenic (1 of 4 stars; one submission).

Submission:

Labcorp Genetics (formerly Invitae), Labcorp
Classification: Pathogenic. Last evaluated: 2020-12-22. Review status: criteria provided, single submitter. Criteria: Invitae Variant Classification Sherloc (09022015). Collection method: clinical testing. Allele origin: germline.
Comment: This sequence change creates a premature translational stop signal (p.Val1476Cysfs*34) in the COL4A3 gene. It is expected to result in an absent or disrupted protein product. Loss-of-function variants in COL4A3 are known to be pathogenic (PMID: 8956999, 24854265, 26809805, 27281700). This variant is not present in population databases (ExAC no frequency). This variant has not been reported in the literature in individuals with COL4A3-related conditions. For these reasons, this variant has been classified as Pathogenic.

Literature cited by the submitters: PubMed 8956999; PubMed 24854265; PubMed 26809805; PubMed 27281700.